The following is an entry in ClinVar:

ClinVar aggregate classification (germline): Likely benign. Review status: criteria provided, multiple submitters, no conflicts (2 of 4 stars). 4 submissions from 4 submitters: Likely benign (3). 1 of the submissions does not count toward it. Last evaluated 2026-01-19.

Conditions:
Idiopathic generalized epilepsy. Also called: EIG; Generalised epilepsy. Identifiers: MedGen C0270850, MONDO:0005579, OMIM 600669.
Hyperaldosteronism, familial, type IV (HALD4). Also called: FH IV; ALDOSTERONISM, PRIMARY, AND HYPERTENSION. Identifiers: Orphanet 642671, MedGen C4310756, MONDO:0014875, OMIM 617027.
Inborn genetic diseases. Identifiers: MedGen C0950123, MeSH D030342.
CACNA1H-related disorder.

Allele frequency attached by ClinVar (database versions not stated): gnomAD exomes 0.00006 and 0.00019; gnomAD 0.00063 and 0.00068; TOPMed 0.00069; 1000 Genomes Project 30x 0.00109; 1000 Genomes Project 0.00120; ESP Exome Variant Server 0.00055; ExAC 0.00021.
gnomAD v4.1: 198 of 1,600,044 alleles (0.012%); highest among the groups gnomAD compares: African/African-American, 0.23%; 1 homozygote.

Submissions (4):

Labcorp Genetics (formerly Invitae), Labcorp
Classification: Likely benign for Idiopathic generalized epilepsy; Hyperaldosteronism, familial, type IV. Last evaluated: 2026-01-19. Review status: criteria provided, single submitter. Criteria: Invitae Variant Classification Sherloc (09022015). Collection method: clinical testing. Allele origin: germline.

Ambry Genetics
Classification: Likely benign for Inborn genetic diseases. Last evaluated: 2024-07-30. Review status: criteria provided, single submitter. Criteria: Ambry Variant Classification Scheme 2023. Collection method: clinical testing. Allele origin: germline.

Breakthrough Genomics
Classification: Likely benign. Review status: criteria provided, single submitter. Criteria: ACMG Guidelines, 2015. Collection method: not provided. Allele origin: germline. Inheritance: Autosomal dominant inheritance. Affected: yes.

PreventionGenetics, part of Exact Sciences
Classification: Likely benign for CACNA1H-related condition. Last evaluated: 2020-06-16. Review status: no assertion criteria provided. Collection method: clinical testing. Allele origin: germline. Not counted in ClinVar's aggregate classification.
Comment: This variant is classified as likely benign based on ACMG/AMP sequence variant interpretation guidelines (Richards et al. 2015 PMID: 25741868, with internal and published modifications).

NM_021098.3(CACNA1H):c.817A>T (p.Thr273Ser)

Gene: CACNA1H (calcium voltage-gated channel subunit alpha1 H; plus strand). Cytogenetic location: 16p13.3.
Variant type: single nucleotide variant.
Coding change: c.817A>T on transcript NM_021098.3 (MANE Select); coding-DNA position 817, A replaced by T.
Protein change: p.Thr273Ser; replaces threonine 273 with serine.
Molecular consequence: missense variant.
Genome position (GRCh38, 1-based): chr16:1,200,269, A>T. VCF-style: chr16-1200269-A-T. GRCh37 (hg19) VCF-style: chr16-1250269-A-T.
Other names: c.817A>T, p.Thr273Ser (NM_001005407.2); short protein forms T273S.
Identifiers: ClinVar variation 460190 (VCV000460190.16), dbSNP rs58386301, ClinGen allele CA7799672.